The following is an entry in ClinVar:

ClinVar aggregate classification (germline): Conflicting classifications of pathogenicity. Review status: criteria provided, conflicting classifications (1 of 4 stars). 15 submissions from 15 submitters: Pathogenic (2); Likely pathogenic (7); Uncertain significance (5). 1 of the submissions does not count toward it. Last evaluated 2026-06-26.

Conditions:
ACADVL-related disorder. Also called: ACADVL-related condition.
Very long chain acyl-CoA dehydrogenase deficiency (ACADVLD). Also called: VLCAD Deficiency; Very Long-Chain Acyl-Coenzyme A Dehydrogenase Deficiency. Identifiers: Orphanet 26793, MedGen C3887523, MONDO:0008723, OMIM 201475.

Allele frequency attached by ClinVar (database versions not stated): gnomAD 0.00009; ExAC 0.00003; TOPMed 0.00009; gnomAD exomes 0.00001 and 0.00003; ESP Exome Variant Server 0.00008.
gnomAD v4.1: 29 of 1,614,022 alleles (0.0018%); highest among the groups gnomAD compares: African/African-American, 0.035%; no homozygotes.

Submissions (15):

PreventionGenetics, part of Exact Sciences
Classification: Uncertain significance for ACADVL-related condition. Last evaluated: 2026-06-26. Review status: criteria provided, single submitter. Criteria: ACMG Guidelines, 2015. Collection method: clinical testing. Allele origin: germline.
Comment: The ACADVL c.1273G>A variant is predicted to result in the amino acid substitution p.Ala425Thr. This variant has been reported in three compound heterozygous individuals with a positive newborn screen for VLCAD with one of these individuals being asymptomatic (Chien et al. 2013. PubMed ID: 23700290; Pena et al. 2016. PubMed ID: 27209629; Table S1, Hidalgo Mayoral et al. 2025. PubMed ID: 41022664). This variant has been reported to be enriched in patients with a newborn screen suggestive of VLCAD, although the genotypes of these individuals are unclear (Miller et al. 2015. PubMed ID: 26385305). This variant is reported in 0.064% of alleles in individuals of African descent in gnomAD, and has conflicting interpretations in ClinVar ranging from pathogenic to uncertain (Variation ID: 92273). Although we suspect that this variant may be pathogenic, at this time, the clinical significance of this variant is uncertain due to the absence of conclusive functional and genetic evidence.

Labcorp Genetics (formerly Invitae), Labcorp
Classification: Pathogenic for Very long chain acyl-CoA dehydrogenase deficiency. Last evaluated: 2026-01-31. Review status: criteria provided, single submitter. Criteria: Invitae Variant Classification Sherloc (09022015). Collection method: clinical testing. Allele origin: germline.
Comment: This sequence change replaces alanine, which is neutral and non-polar, with threonine, which is neutral and polar, at codon 425 of the ACADVL protein (p.Ala425Thr). This variant is present in population databases (rs138834083, gnomAD 0.07%). This missense change has been observed in individuals with very long chain acyl-CoA dehydrogenase deficiency (PMID: 23700290, 27209629; internal data). ClinVar contains an entry for this variant (Variation ID: 92273). Invitae Evidence Modeling of protein sequence and biophysical properties (such as structural, functional, and spatial information, amino acid conservation, physicochemical variation, residue mobility, and thermodynamic stability) indicates that this missense variant is not expected to disrupt ACADVL protein function with a negative predictive value of 80%. For these reasons, this variant has been classified as Pathogenic.

Natera, Inc.
Classification: Likely pathogenic for Very long chain acyl-CoA dehydrogenase deficiency. Last evaluated: 2025-11-12. Review status: criteria provided, single submitter. Criteria: Natera Variant Classification Schema (03/2026). Collection method: clinical testing. Allele origin: germline.
Comment: The c.1273G>A variant in ACADVL is a missense variant predicted to cause substitution of alanine to threonine at amino acid 425. This variant is rare in the general population with a frequency below the threshold expected for the associated phenotype(s). This variant has been observed in one or more individuals affected with the associated recessive disease, as either homozygous or compound heterozygous with a second variant (PMID: 23700290, 27209629). This variant has been identified in one or more affected individual with a phenotype highly consistent with the associated gene (PMID:23700290). Computational prediction algorithms indicate this variant is likely to affect gene or protein function. Given the available evidence, this variant is classified as Likely Pathogenic.

GeneDx
Classification: Uncertain significance. Last evaluated: 2025-09-26. Review status: criteria provided, single submitter. Criteria: GeneDx Variant Classification Process June 2021. Collection method: clinical testing. Allele origin: germline. Affected: yes.
Comment: Identified in multiple individuals with a positive newborn screening result for VLCAD deficiency in whom a second variant in the ACADVL gene was not identified (PMID: 26385305); In silico analysis suggests that this missense variant does not alter protein structure/function; This variant is associated with the following publications: (PMID: 23700290, 20480395, 31794763, 27209629, 26385305, Mayoral2025[Preprint])

Women's Health and Genetics/Laboratory Corporation of America, LabCorp
Classification: Pathogenic for Very long chain acyl-CoA dehydrogenase deficiency. Last evaluated: 2025-09-24. Review status: criteria provided, single submitter. Criteria: LabCorp Variant Classification Summary - May 2015. Collection method: clinical testing. Allele origin: germline.
Comment: Variant summary: ACADVL c.1273G>A (p.Ala425Thr) results in a non-conservative amino acid change located in the Acyl-CoA dehydrogenase/oxidase C-terminal domain (IPR009075) of the encoded protein sequence. Algorithms developed to predict the effect of missense changes on protein structure and function all suggest that this variant is likely to be disruptive. The variant allele was found at a frequency of 3.2e-05 in 251466 control chromosomes. c.1273G>A has been observed in multiple individual(s) affected with Very Long Chain Acyl-CoA Dehydrogenase Deficiency (example: Chien_2013, Pena_2016, Internal data). These data indicate that the variant is very likely to be associated with disease. The following publications have been ascertained in the context of this evaluation (PMID: 23700290, 31794763, 26385305, 27209629).ClinVar contains an entry for this variant (Variation ID: 92273). Based on the evidence outlined above, the variant was classified as pathogenic.

First Genomix Gene Laboratory, Genetic Diagnostics Department
Classification: Likely pathogenic for Very long chain acyl-CoA dehydrogenase deficiency. Last evaluated: 2025-03-21. Review status: criteria provided, single submitter. Criteria: ACMG Guidelines, 2015. Collection method: clinical testing. Allele origin: germline. Inheritance: Autosomal recessive inheritance. Affected: no. Observed: 1 variant allele.

Greenwood Genetic Center Diagnostic Laboratories, Greenwood Genetic Center
Classification: Uncertain significance. Last evaluated: 2025-01-28. Review status: criteria provided, single submitter. Criteria: ACMG Guidelines, 2015. Collection method: clinical testing. Allele origin: germline.
Comment: PS3_Moderate, PM2, PM3_Supporting

Department of Genetics of Metabolic Diseases, Institute of Medical & Molecular Genetics, Hospital Universitario Hospital La Paz
Classification: Likely pathogenic for Very long chain acyl-CoA dehydrogenase deficiency. Last evaluated: 2024-09-01. Review status: criteria provided, single submitter. Criteria: ACMG Guidelines, 2015. Collection method: clinical testing. Allele origin: germline. Inheritance: Autosomal recessive inheritance. Affected: yes.
Comment: The variant NM_000018.3:c.1273G>A p.(Ala425Thr) in the ACADVL gene is present at low frequency in gnomAD (0.005657%) and computational prediction tools support a deleterious effect on the gene. It has been reported in compound heterozygosity in individuals with VLCADD (PMID: 23700290, 27209629) and a newborn with abnormal NBS C14:1 levels and VLCAD enzyme activity ≤20% of normal (PMID: Hidalgo Mayoral I et al., in press).

Blueprint Genetics
Classification: Uncertain significance. Last evaluated: 2024-08-06. Review status: criteria provided, single submitter. Criteria: ACMG Guidelines, 2015. Collection method: clinical testing. Allele origin: germline.

Fulgent Genetics
Classification: Likely pathogenic for Very long chain acyl-CoA dehydrogenase deficiency. Last evaluated: 2024-03-04. Review status: criteria provided, single submitter. Criteria: ACMG Guidelines, 2015. Collection method: clinical testing. Allele origin: germline.

ARUP Laboratories, Molecular Genetics and Genomics, ARUP Laboratories
Classification: Likely pathogenic for Very long chain acyl-CoA dehydrogenase deficiency. Last evaluated: 2022-02-01. Review status: criteria provided, single submitter. Criteria: ARUP Molecular Germline Variant Investigation Process 2021. Collection method: clinical testing. Allele origin: germline.
Comment: The ACADVL c.1273G>A; p.Ala425Thr variant (rs138834083) is reported in the literature in the heterozygous or compound heterozygous state with a second pathogenic variant in multiple individuals affected with very long chain acyl-coA dehydrogenase (VLCAD) deficiency (Chien 2013, Miller 2015, Pena 2016). This variant is reported in ClinVar (Variation ID: 92273), and is found in the African population with an allele frequency of 0.064% (16/24,966 alleles) in the Genome Aggregation Database. The alanine at codon 425 is highly conserved and computational analyses predict that this variant is deleterious (REVEL: 0.722). Based on available information, this variant is considered to be likely pathogenic. References: Chien YH et al. Fatty Acid oxidation disorders in a chinese population in taiwan. JIMD Rep. 2013;11:165-72. PMID: 23700290. Miller MJ et al. Recurrent ACADVL molecular findings in individuals with a positive newborn screen for very long chain acyl-coA dehydrogenase (VLCAD) deficiency in the United States. Mol Genet Metab. 2015 Nov;116(3):139-45. PMID: 26385305. Pena LD et al. Outcomes and genotype-phenotype correlations in 52 individuals with VLCAD deficiency diagnosed by NBS and enrolled in the IBEM-IS database. Mol Genet Metab. 2016 Aug;118(4):272-81. PMID: 27209629.

Mayo Clinic Laboratories, Mayo Clinic
Classification: Likely pathogenic. Last evaluated: 2021-12-07. Review status: criteria provided, single submitter. Criteria: ACMG Guidelines, 2015. Collection method: clinical testing. Allele origin: germline.
Comment: PP1, PP4_moderate, PM2, PS4_moderate

Wong Mito Lab, Molecular and Human Genetics, Baylor College of Medicine
Classification: Uncertain significance for Very long chain acyl-CoA dehydrogenase deficiency. Last evaluated: 2019-11-01. Review status: criteria provided, single submitter. Criteria: ACMG Guidelines, 2015. Collection method: clinical testing. Allele origin: germline.
Comment: The NM_000018.3:c.1273G>A (NP_000009.1:p.Ala425Thr) [GRCH38: NC_000017.11:g.7223816G>A] variant in ACADVL gene is interpretated to be Uncertain Significance based on ACMG guidelines (PMID: 25741868). This variant has been reported. This variant meets the following evidence codes reported in the ACMG guidelines: PP3

Eurofins Ntd Llc (ga)
Classification: Likely pathogenic. Last evaluated: 2018-08-24. Review status: criteria provided, single submitter. Criteria: EGL ClinVar v180209 classification definitions. Collection method: clinical testing. Allele origin: germline. Observed: 3 variant alleles, 3 heterozygotes.

Counsyl
Classification: Uncertain significance for Very long chain acyl-CoA dehydrogenase deficiency. Last evaluated: 2017-06-19. Review status: no assertion criteria provided. Collection method: clinical testing. Allele origin: unknown. Not counted in ClinVar's aggregate classification.

Literature cited by the submitters: PubMed 23700290 (cited by 6 submitters); PubMed 27209629 (cited by 6 submitters); PubMed 26385305 (cited by 4 submitters); PubMed 31794763 (cited by Women's Health and Genetics/Laboratory Corporation of America, LabCorp); PubMed 41022664 (cited by Department of Genetics of Metabolic Diseases, Institute of Medical & Molecular Genetics, Hospital Universitario Hospital La Paz); PubMed 20694756 (cited by Eurofins Ntd Llc (ga) and Counsyl); PubMed 20480395 (cited by Counsyl).

NM_000018.4(ACADVL):c.1273G>A (p.Ala425Thr)

Gene: ACADVL (acyl-CoA dehydrogenase very long chain; plus strand). Cytogenetic location: 17p13.1.
Variant type: single nucleotide variant.
Coding change: c.1273G>A on transcript NM_000018.4 (MANE Select); coding-DNA position 1273, G replaced by A.
Protein change: p.Ala425Thr; replaces alanine 425 with threonine.
Molecular consequence: missense variant.
Genome position (GRCh38, 1-based): chr17:7,223,816, G>A. VCF-style: chr17-7223816-G-A. GRCh37 (hg19) VCF-style: chr17-7127135-G-A.
Other names: c.1207G>A, p.Ala403Thr (NM_001033859.3); c.1342G>A, p.Ala448Thr (NM_001270447.2); c.1045G>A, p.Ala349Thr (NM_001270448.2); short protein forms A425T, A403T, A448T, A349T.
Identifiers: ClinVar variation 92273 (VCV000092273.79), dbSNP rs138834083, ClinGen allele CA220191.
Genomic context (GRCh38, chr17:7,223,816, plus strand): 5'-GAGTCCAGTTTGGGTGCTCAGCTCCCAAAACCAGTCTCATCTGTTCTTTGTCCCTAGGAG[G>A]CAGCCTGGAAGGTGACAGATGAATGCATCCAAATCATGGGGGGTATGGGCTTCATGAAGG-3'
Protein context (NP_000009.1, residues 415-435): AAISKIFGSE[Ala425Thr]AWKVTDECIQ